The following is an entry in ClinVar:

ClinVar aggregate classification (germline): Conflicting classifications of pathogenicity. Review status: criteria provided, conflicting classifications (1 of 4 stars). 2 submissions from 2 submitters: Uncertain significance (1); Likely benign (1). Last evaluated 2023-03-23.

Conditions:
Hereditary cancer-predisposing syndrome. Also called: Hereditary Cancer Syndrome; Hereditary neoplastic syndrome; Tumor predisposition; Neoplastic Syndromes, Hereditary. Identifiers: Orphanet 140162, MedGen C0027672, MeSH D009386, MONDO:0015356.

Submissions (2):

University of Washington Department of Laboratory Medicine, University of Washington
Classification: Likely benign for Hereditary cancer-predisposing syndrome. Last evaluated: 2023-03-23. Review status: criteria provided, single submitter. Criteria: Dines et al. (Genet Med. 2020). Collection method: curation. Allele origin: germline.
Comment: Missense variant in a coldspot region where missense variants are very unlikely to be pathogenic (PMID:31911673).

BRCA1 coldspot (exon 11 using historical exon numbering). Reclassification based on statistical prior probability

Ambry Genetics
Classification: Uncertain significance for Hereditary cancer-predisposing syndrome. Last evaluated: 2021-12-01. Review status: criteria provided, single submitter. Criteria: Ambry Variant Classification Scheme 2023. Collection method: clinical testing. Allele origin: germline.
Comment: The p.G754R variant (also known as c.2260G>A), located in coding exon 9 of the BRCA1 gene, results from a G to A substitution at nucleotide position 2260. The glycine at codon 754 is replaced by arginine, an amino acid with dissimilar properties. This amino acid position is conserved. In addition, the in silico prediction for this alteration is inconclusive. Since supporting evidence is limited at this time, the clinical significance of this alteration remains unclear.

NM_007294.4(BRCA1):c.2260G>A (p.Gly754Arg)

Gene: BRCA1 (BRCA1 DNA repair associated; minus strand). Cytogenetic location: 17q21.31.
Variant type: single nucleotide variant.
Coding change: c.2260G>A on transcript NM_007294.4 (MANE Select); coding-DNA position 2260, G replaced by A.
Protein change: p.Gly754Arg; replaces glycine 754 with arginine.
Molecular consequence: missense variant. On other transcripts: intron variant (137).
Genome position (GRCh38, 1-based): chr17:43,093,271, C>T on the plus strand (G>A on the coding strand, the complement: BRCA1 is on the minus strand). VCF-style: chr17-43093271-C-T. GRCh37 (hg19) VCF-style: chr17-41245288-C-T.
Other names: c.1927G>A, p.Gly643Arg (NM_001407949.1, NM_001407952.1, NM_001407953.1 and 6 more transcripts); c.1924G>A, p.Gly642Arg (NM_001407954.1, NM_001407955.1, NM_001407956.1 and 1 more transcripts); c.2047G>A, p.Gly683Arg (NM_001407571.1, NM_001407853.1, NM_001407894.1 and 9 more transcripts); c.2260G>A, p.Gly754Arg (NM_001407581.1, NM_001407582.1, NM_001407583.1 and 30 more transcripts); c.2257G>A, p.Gly753Arg (NM_001407587.1, NM_001407590.1, NM_001407591.1 and 22 more transcripts); c.2251G>A, p.Gly751Arg (NM_001407646.1, NM_001407647.1); c.2137G>A, p.Gly713Arg (NM_001407648.1, NM_001407664.1, NM_001407665.1 and 19 more transcripts); c.2134G>A, p.Gly712Arg (NM_001407649.1, NM_001407670.1, NM_001407671.1 and 11 more transcripts); and 41 more; short protein forms G683R, G728R, G642R, G666R, G684R, G687R, G707R, G713R.
Identifiers: ClinVar variation 1788629 (VCV001788629.4), dbSNP rs2053792392, ClinGen allele CA10597479.